The following is an entry in ClinVar:

ClinVar aggregate classification (germline): Pathogenic. Review status: criteria provided, multiple submitters, no conflicts (2 of 4 stars). 2 submissions from 2 submitters: Pathogenic (2). Last evaluated 2026-07-15.

Conditions:
Lynch syndrome 5 (LYNCH5). Also called: Hereditary non-polyposis colorectal cancer, type 5; Colorectal cancer, hereditary nonpolyposis, type 5. Identifiers: Orphanet 144, MedGen C1833477, MONDO:0013710, OMIM 614350. Disease mechanism: loss of function.
Hereditary cancer-predisposing syndrome. Also called: Hereditary neoplastic syndrome; Hereditary Cancer Syndrome; Neoplastic Syndromes, Hereditary; Tumor predisposition. Identifiers: Orphanet 140162, MedGen C0027672, MeSH D009386, MONDO:0015356.

Submissions (2):

Ambry Genetics
Classification: Pathogenic for Hereditary cancer-predisposing syndrome. Last evaluated: 2026-07-15. Review status: criteria provided, single submitter. Criteria: Ambry Variant Classification Scheme 2023. Collection method: clinical testing. Allele origin: germline.
Comment: The c.1593_1596delCTCT pathogenic mutation, located in coding exon 4 of the MSH6 gene, results from a deletion of 4 nucleotides at nucleotide positions 1593 to 1596, causing a translational frameshift with a predicted alternate stop codon (p.S532Rfs*38). This variant is considered to be rare based on population cohorts in the Genome Aggregation Database (gnomAD). This alteration is expected to result in loss of function by premature protein truncation or nonsense-mediated mRNA decay. As such, this alteration is interpreted as a disease-causing mutation.

Myriad Genetics, Inc.
Classification: Pathogenic for Lynch syndrome 5. Last evaluated: 2023-08-15. Review status: criteria provided, single submitter. Criteria: Myriad Autosomal Dominant, Autosomal Recessive and X-Linked Classification Criteria (2023). Collection method: clinical testing. Allele origin: unknown.
Comment: This variant is considered pathogenic. This variant creates a frameshift predicted to result in premature protein truncation.

NM_000179.3(MSH6):c.1593_1596del (p.Ser532fs)

Gene: MSH6 (mutS homolog 6; plus strand). Cytogenetic location: 2p16.3.
Variant type: Deletion.
Coding change: c.1593_1596del on transcript NM_000179.3 (MANE Select); coding-DNA positions 1593 to 1596, 4 bases deleted (CTCT; older notation c.1593_1596delCTCT).
Protein change: p.Ser532fs; shifts the reading frame from serine 532.
Molecular consequence: frameshift variant. On other transcripts: non-coding transcript variant (4), intron variant (1).
Genome position (GRCh38, 1-based): chr2:47,799,576-47,799,579, CTCT deleted. VCF-style (leftmost placement, unchanged base first): chr2-47799575-CCTCT-C. GRCh37 (hg19) VCF-style: chr2-48026714-CCTCT-C.
Other names: c.1203_1206del, p.Ser402fs (NM_001281492.2); c.687_690del, p.Ser230fs (NM_001281493.2, NM_001281494.2, NM_001406823.1 and 6 more transcripts); c.1689_1692del, p.Ser564fs (NM_001406795.1, NM_001406802.1); c.1593_1596del, p.Ser532fs (NM_001406796.1, NM_001406798.1, NM_001406800.1 and 4 more transcripts); c.1296_1299del, p.Ser433fs (NM_001406797.1, NM_001406801.1, NM_001406805.1 and 10 more transcripts); c.1068_1071del, p.Ser357fs (NM_001406799.1, NM_001406806.1, NM_001406807.1); c.1515_1518del, p.Ser506fs (NM_001406804.1); c.1425_1428del, p.Ser476fs (NM_001406826.1); and 2 more; short protein forms S230fs, S357fs, S402fs, S433fs, S476fs, S506fs, S532fs, S534fs.
Identifiers: ClinVar variation 2673770 (VCV002673770.2), dbSNP rs2530618333, ClinGen allele CA2695200599.
Genomic context (GRCh38, chr2:47,799,575, plus strand): 5'-GGGAGATCTGTAGGATCATTACCAAGGGTACACAGACTTACAGTGTGCTGGAAGGTGATC[CCTCT>C]GAGAACTACAGTAAGTATCTTCTTAGCCTCAAAGAAAAAGAGGAAGATTCTTCTGGCCAT-3'